The following is an entry in ClinVar:

ClinVar aggregate classification (germline): Uncertain significance. Review status: criteria provided, multiple submitters, no conflicts (2 of 4 stars). 2 submissions from 2 submitters: Uncertain significance (2). Last evaluated 2025-07-27.

Conditions:
Lymphoproliferative syndrome 2 (LPFS2). Also called: Combined immunodeficiency due to CD27 deficiency; CD27 DEFICIENCY. Identifiers: Orphanet 238505, MedGen C3554540, MONDO:0014054, OMIM 615122.
Inborn genetic diseases. Identifiers: MedGen C0950123, MeSH D030342.

Allele frequency attached by ClinVar (database versions not stated): gnomAD exomes below 0.00001.
gnomAD v4.1: 1 of 1,614,122 alleles (0.000062%); highest among the groups gnomAD compares: Non-Finnish European, 0.000085%; no homozygotes.

Submissions (2):

Labcorp Genetics (formerly Invitae), Labcorp
Classification: Uncertain significance for Lymphoproliferative syndrome 2. Last evaluated: 2025-07-27. Review status: criteria provided, single submitter. Criteria: Invitae Variant Classification Sherloc (09022015). Collection method: clinical testing. Allele origin: germline.
Comment: This sequence change replaces aspartic acid, which is acidic and polar, with asparagine, which is neutral and polar, at codon 188 of the CD27 protein (p.Asp188Asn). This variant is not present in population databases (gnomAD no frequency). This variant has not been reported in the literature in individuals affected with CD27-related conditions. ClinVar contains an entry for this variant (Variation ID: 2545348). Invitae Evidence Modeling of protein sequence and biophysical properties (such as structural, functional, and spatial information, amino acid conservation, physicochemical variation, residue mobility, and thermodynamic stability) indicates that this missense variant is not expected to disrupt CD27 protein function with a negative predictive value of 80%. In summary, the available evidence is currently insufficient to determine the role of this variant in disease. Therefore, it has been classified as a Variant of Uncertain Significance.

Ambry Genetics
Classification: Uncertain significance for Inborn genetic diseases. Last evaluated: 2023-06-06. Review status: criteria provided, single submitter. Criteria: Ambry Variant Classification Scheme 2023. Collection method: clinical testing. Allele origin: germline.

NM_001242.5(CD27):c.562G>A (p.Asp188Asn)

Genes: CD27 (CD27 molecule; plus strand), CD27-AS1 (CD27 antisense RNA 1; minus strand), LOC130007242 (ATAC-STARR-seq lymphoblastoid active region 5859; plus strand). Cytogenetic location: 12p13.31.
Variant type: single nucleotide variant.
Coding change: c.562G>A on transcript NM_001242.5 (MANE Select); coding-DNA position 562, G replaced by A.
Protein change: p.Asp188Asn; replaces aspartic acid 188 with asparagine.
Molecular consequence: missense variant. On other transcripts: non-coding transcript variant (5).
Genome position (GRCh38, 1-based): chr12:6,450,918, G>A. VCF-style: chr12-6450918-G-A. GRCh37 (hg19) VCF-style: chr12-6560084-G-A.
Other names: c.655G>A, p.Asp219Asn (NM_001413263.1); c.535G>A, p.Asp179Asn (NM_001413264.1); c.382G>A, p.Asp128Asn (NM_001413265.1); c.112G>A, p.Asp38Asn (NM_001413266.1, NM_001413267.1, NM_001413268.1); short protein forms D179N, D128N, D219N, D188N, D38N.
Identifiers: ClinVar variation 2545348 (VCV002545348.3), dbSNP rs2498146618, ClinGen allele CA383551040.